The following is an entry in ClinVar:

ClinVar aggregate classification (germline): Uncertain significance. Review status: criteria provided, single submitter (1 of 4 stars). 2 submissions from 2 submitters: Uncertain significance (1). 1 of the submissions does not count toward it. Last evaluated 2014-12-24.

Conditions:
Primary ciliary dyskinesia. Also called: Ciliary dyskinesia. Identifiers: Orphanet 244, MedGen C0008780, MONDO:0016575, HP:0012265.

Allele frequency attached by ClinVar (database versions not stated): gnomAD exomes below 0.00001; ExAC 0.00001.
gnomAD v4.1: 3 of 1,614,074 alleles (0.00019%); highest among the groups gnomAD compares: Non-Finnish European, 0.00025%; no homozygotes.

Submissions (2):

Ambry Genetics
Classification: Uncertain significance for Primary ciliary dyskinesia. Last evaluated: 2014-12-24. Review status: criteria provided, single submitter. Criteria: Ambry Variant Classification Scheme 2023. Collection method: clinical testing. Allele origin: germline.
Comment: The p.K520E variant (also known as c.1558A>G), located in coding exon 16 of the DNAI1 gene, results from an A to G substitution at nucleotide position 1558. The lysine at codon 520 is replaced by glutamic acid, an amino acid with similar properties. This variant has been detected in conjunction with a pathogenic mutation in DNAI1 by our laboratory in trans. This variant was not reported in population based cohorts in the following databases: Database of Single Nucleotide Polymorphisms (dbSNP), NHLBI Exome Sequencing Project (ESP), and 1000 Genomes Project. In the ESP, this variant was not observed in 6503 samples (13006 alleles) with coverage at this position. This amino acid position is conserved in all available species, except gorilla, medaka and lamprey. In addition, the in silico prediction for this alteration is inconclusive. Since supporting evidence is limited at this time, the clinical significance of this variant remains unclear.

Natera, Inc.
Classification: Uncertain significance for Primary ciliary dyskinesia. Last evaluated: 2025-01-27. Review status: no assertion criteria provided. Collection method: clinical testing. Allele origin: germline. Not counted in ClinVar's aggregate classification.

NM_012144.4(DNAI1):c.1558A>G (p.Lys520Glu)

Gene: DNAI1 (dynein axonemal intermediate chain 1; plus strand). Cytogenetic location: 9p13.3.
Variant type: single nucleotide variant.
Coding change: c.1558A>G on transcript NM_012144.4 (MANE Select); coding-DNA position 1558, A replaced by G.
Protein change: p.Lys520Glu; replaces lysine 520 with glutamic acid.
Molecular consequence: missense variant.
Genome position (GRCh38, 1-based): chr9:34,513,180, A>G. VCF-style: chr9-34513180-A-G. GRCh37 (hg19) VCF-style: chr9-34513178-A-G.
Other names: c.1570A>G, p.Lys524Glu (NM_001281428.2); c.1558A>G (NM_012144.3); short protein forms K520E, K524E.
Identifiers: ClinVar variation 1775191 (VCV001775191.3), dbSNP rs766816816, ClinGen allele CA5034443.
Genomic context (GRCh38, chr9:34,513,180, plus strand): 5'-ACTGCCTTTGACTTCCACAAAGAGATTGACTACATGTTCCTAGTGGGCACAGAGGAGGGA[A>G]AAATCTACAAGGTGAGGCTGCCCTGTGCCAGCTCCTTAGAAGGCCGCTTAGACCTGAGCA-3'
Protein context (NP_036276.1, residues 510-530): YMFLVGTEEG[Lys520Glu]IYKCSKSYSS